The following is an entry in ClinVar:

ClinVar aggregate classification (germline): Uncertain significance. Review status: criteria provided, multiple submitters, no conflicts (2 of 4 stars). 2 submissions from 2 submitters: Uncertain significance (2). Last evaluated 2024-02-21.

Submissions (2):

GeneDx
Classification: Uncertain significance. Last evaluated: 2024-02-21. Review status: criteria provided, single submitter. Criteria: GeneDx Variant Classification Process June 2021. Collection method: clinical testing. Allele origin: germline. Affected: yes.
Comment: In silico analysis supports that this variant does not alter protein structure/function; Has not been previously published as pathogenic or benign to our knowledge

Labcorp Genetics (formerly Invitae), Labcorp
Classification: Uncertain significance. Last evaluated: 2022-07-20. Review status: criteria provided, single submitter. Criteria: Invitae Variant Classification Sherloc (09022015). Collection method: clinical testing. Allele origin: germline.
Comment: This sequence change replaces lysine, which is basic and polar, with serine, which is neutral and polar, at codon 323 of the GP6 protein (p.Lys323Ser). This variant is present in population databases (no rsID available, gnomAD 3%). This variant has not been reported in the literature in individuals affected with GP6-related conditions. Experimental studies and prediction algorithms are not available or were not evaluated, and the functional significance of this variant is currently unknown. In summary, the available evidence is currently insufficient to determine the role of this variant in disease. Therefore, it has been classified as a Variant of Uncertain Significance.

NM_016363.5(GP6):c.963_964delinsTC (p.Asn322His)

Gene: GP6 (glycoprotein VI platelet; minus strand). Cytogenetic location: 19q13.42.
Variant type: Indel.
Coding change: c.963_964delinsTC on transcript NM_016363.5 (MANE Select); coding-DNA positions 963 to 964, AA replaced by TC.
Protein change: p.Asn322His; replaces asparagine 322 with histidine.
Molecular consequence: missense variant.
Genome position (GRCh38, 1-based): chr19:55,014,977-55,014,978, TT replaced by GA on the plus strand (AA replaced by TC on the coding strand, the reverse complement: GP6 is on the minus strand). VCF-style: chr19-55014977-TT-GA. GRCh37 (hg19) VCF-style: chr19-55526345-TT-GA.
Other names: c.967_968delinsTC, p.Lys323Ser (NM_001083899.2); c.909_910delinsTC, p.Asn304His (NM_001256017.2); short protein forms K323S, N304H, N322H.
Identifiers: ClinVar variation 2179397 (VCV002179397.2), dbSNP rs2516863475, ClinGen allele CA2580097800.